The following is an entry in ClinVar:

NM_001082486.2(ACD):c.449A>C (p.Asp150Ala)

Gene: ACD (ACD shelterin complex subunit and telomerase recruitment factor; minus strand). Cytogenetic location: 16q22.1.
Variant type: single nucleotide variant.
Coding change: c.449A>C on transcript NM_001082486.2 (MANE Select); coding-DNA position 449, A replaced by C.
Protein change: p.Asp150Ala; replaces aspartic acid 150 with alanine.
Molecular consequence: missense variant.
Genome position (GRCh38, 1-based): chr16:67,659,384, T>G on the plus strand (A>C on the coding strand, the complement: ACD is on the minus strand). VCF-style: chr16-67659384-T-G. GRCh37 (hg19) VCF-style: chr16-67693287-T-G.
Other names: c.449A>C, p.Asp150Ala (NM_001410884.1); c.440A>C, p.Asp147Ala (NM_022914.3); short protein forms D150A, D147A.
Identifiers: ClinVar variation 4699877 (VCV004699877.1).

ClinVar aggregate classification (germline): Uncertain significance (1 of 4 stars; one submission).

Conditions:
Dyskeratosis congenita, autosomal dominant 6 (DKCA6). Identifiers: Orphanet 3322, MedGen C4225284, MONDO:0014690, OMIM 616553.

gnomAD v4.1: 7 of 1,613,754 alleles (0.00043%); highest among the groups gnomAD compares: Non-Finnish European, 0.00059%; no homozygotes.

Submission:

Labcorp Genetics (formerly Invitae), Labcorp
Classification: Uncertain significance for Dyskeratosis congenita, autosomal dominant 6. Last evaluated: 2025-11-26. Review status: criteria provided, single submitter. Criteria: Invitae Variant Classification Sherloc (09022015). Collection method: clinical testing. Allele origin: germline.
Comment: This sequence change replaces aspartic acid, which is acidic and polar, with alanine, which is neutral and non-polar, at codon 236 of the ACD protein (p.Asp236Ala). This variant is not present in population databases (gnomAD no frequency). This variant has not been reported in the literature in individuals affected with ACD-related conditions. Invitae Evidence Modeling of protein sequence and biophysical properties (such as structural, functional, and spatial information, amino acid conservation, physicochemical variation, residue mobility, and thermodynamic stability) indicates that this missense variant is expected to disrupt ACD protein function with a positive predictive value of 80%. In summary, the available evidence is currently insufficient to determine the role of this variant in disease. Therefore, it has been classified as a Variant of Uncertain Significance.